The following is an entry in ClinVar:

NM_003737.4(DCHS1):c.9797C>T (p.Pro3266Leu)

Gene: DCHS1 (dachsous cadherin-related 1; minus strand). Cytogenetic location: 11p15.4.
Variant type: single nucleotide variant.
Coding change: c.9797C>T on transcript NM_003737.4 (MANE Select); coding-DNA position 9797, C replaced by T.
Protein change: p.Pro3266Leu; replaces proline 3266 with leucine.
Molecular consequence: missense variant.
Genome position (GRCh38, 1-based): chr11:6,621,879, G>A on the plus strand (C>T on the coding strand, the complement: DCHS1 is on the minus strand). VCF-style: chr11-6621879-G-A. GRCh37 (hg19) VCF-style: chr11-6643110-G-A.
Other names: short protein forms P3266L.
Identifiers: ClinVar variation 764789 (VCV000764789.14), dbSNP rs61735331, ClinGen allele CA5859177.

ClinVar aggregate classification (germline): Conflicting classifications of pathogenicity. Review status: criteria provided, conflicting classifications (1 of 4 stars). 3 submissions from 3 submitters: Uncertain significance (1); Likely benign (2). Last evaluated 2026-01-11.

Conditions:
DCHS1-related disorder. Also called: DCHS1-related condition.

Allele frequency attached by ClinVar (database versions not stated): gnomAD exomes 0.00013 and 0.00035; ExAC 0.00021; ESP Exome Variant Server 0.00023; gnomAD 0.00024 and 0.00025; TOPMed 0.00033.

Submissions (3):

PreventionGenetics, part of Exact Sciences
Classification: Likely benign for DCHS1-related condition. Last evaluated: 2026-01-11. Review status: criteria provided, single submitter. Criteria: ACMG Guidelines, 2015. Collection method: clinical testing. Allele origin: germline.
Comment: This variant is classified as likely benign based on ACMG/AMP sequence variant interpretation guidelines (Richards et al. 2015 PMID: 25741868, with internal and published modifications).

Labcorp Genetics (formerly Invitae), Labcorp
Classification: Likely benign. Last evaluated: 2025-11-03. Review status: criteria provided, single submitter. Criteria: Invitae Variant Classification Sherloc (09022015). Collection method: clinical testing. Allele origin: germline.

GeneDx
Classification: Uncertain significance. Last evaluated: 2021-08-06. Review status: criteria provided, single submitter. Criteria: GeneDx Variant Classification Process June 2021. Collection method: clinical testing. Allele origin: germline. Affected: yes.
Comment: In silico analysis supports that this missense variant has a deleterious effect on protein structure/function; Has not been previously published as pathogenic or benign to our knowledge